The following is an entry in ClinVar:

NM_019066.5(MAGEL2):c.2505A>T (p.Pro835=)

Gene: MAGEL2 (MAGE family member L2; minus strand). Cytogenetic location: 15q11.2.
Variant type: single nucleotide variant.
Coding change: c.2505A>T on transcript NM_019066.5 (MANE Select); coding-DNA position 2505, A replaced by T.
Protein change: p.Pro835=; no amino-acid change (proline 835 retained).
Molecular consequence: synonymous variant.
Genome position (GRCh38, 1-based): chr15:23,645,238, T>A on the plus strand (A>T on the coding strand, the complement: MAGEL2 is on the minus strand). VCF-style: chr15-23645238-T-A. GRCh37 (hg19) VCF-style: chr15-23890385-T-A.
Identifiers: ClinVar variation 3616976 (VCV003616976.2).

ClinVar aggregate classification (germline): Uncertain significance (1 of 4 stars; one submission).

gnomAD v4.1: 6 of 1,613,786 alleles (0.00037%); highest among the groups gnomAD compares: Admixed American, 0.01%; no homozygotes.

Submission:

Labcorp Genetics (formerly Invitae), Labcorp
Classification: Uncertain significance. Last evaluated: 2024-03-13. Review status: criteria provided, single submitter. Criteria: Invitae Variant Classification Sherloc (09022015). Collection method: clinical testing. Allele origin: germline.
Comment: This sequence change affects codon 835 of the MAGEL2 mRNA. It is a 'silent' change, meaning that it does not change the encoded amino acid sequence of the MAGEL2 protein. This variant is present in population databases (rs768941394, gnomAD 0.01%). This variant has not been reported in the literature in individuals affected with MAGEL2-related conditions. Experimental studies and prediction algorithms are not available or were not evaluated, and the effect of this variant on mRNA splicing is currently unknown. In summary, the available evidence is currently insufficient to determine the role of this variant in disease. Therefore, it has been classified as a Variant of Uncertain Significance.